The following is an entry in ClinVar:

ClinVar aggregate classification (germline): Uncertain significance (1 of 4 stars; one submission).

Allele frequency attached by ClinVar (database versions not stated): ExAC 0.00002; gnomAD 0.00001; TOPMed 0.00001; gnomAD exomes 0.00002.
gnomAD v4.1: 11 of 1,613,978 alleles (0.00068%); highest among the groups gnomAD compares: Admixed American, 0.018%; no homozygotes.

Submission:

Labcorp Genetics (formerly Invitae), Labcorp
Classification: Uncertain significance. Last evaluated: 2021-08-14. Review status: criteria provided, single submitter. Criteria: Invitae Variant Classification Sherloc (09022015). Collection method: clinical testing. Allele origin: germline.
Comment: This sequence change replaces lysine with arginine at codon 472 of the SLC45A2 protein (p.Lys472Arg). The lysine residue is moderately conserved and there is a small physicochemical difference between lysine and arginine. This variant is present in population databases (rs775276431, ExAC 0.02%). This variant has not been reported in the literature in individuals affected with SLC45A2-related conditions. Algorithms developed to predict the effect of missense changes on protein structure and function (SIFT, PolyPhen-2, Align-GVGD) all suggest that this variant is likely to be tolerated. In summary, the available evidence is currently insufficient to determine the role of this variant in disease. Therefore, it has been classified as a Variant of Uncertain Significance.

NM_016180.5(SLC45A2):c.1415A>G (p.Lys472Arg)

Gene: SLC45A2 (solute carrier family 45 member 2; minus strand). Cytogenetic location: 5p13.2.
Variant type: single nucleotide variant.
Coding change: c.1415A>G on transcript NM_016180.5 (MANE Select); coding-DNA position 1415, A replaced by G.
Protein change: p.Lys472Arg; replaces lysine 472 with arginine.
Molecular consequence: missense variant.
Genome position (GRCh38, 1-based): chr5:33,944,826, T>C on the plus strand (A>G on the coding strand, the complement: SLC45A2 is on the minus strand). VCF-style: chr5-33944826-T-C. GRCh37 (hg19) VCF-style: chr5-33944931-T-C.
Other names: short protein forms K472R.
Identifiers: ClinVar variation 1392816 (VCV001392816.5), dbSNP rs775276431, ClinGen allele CA3225457.